The following is an entry in ClinVar:

NM_005343.4(HRAS):c.400G>A (p.Ala134Thr)

Genes: LRRC56 (leucine rich repeat containing 56; plus strand), HRAS (HRas proto-oncogene, GTPase; minus strand). Cytogenetic location: 11p15.5.
Variant type: single nucleotide variant.
Coding change: c.400G>A on transcript NM_005343.4 (MANE Select); coding-DNA position 400, G replaced by A.
Protein change: p.Ala134Thr; replaces alanine 134 with threonine.
Molecular consequence: missense variant. On other transcripts: synonymous variant (1).
Genome position (GRCh38, 1-based): chr11:533,503, C>T on the plus strand (G>A on the coding strand, the complement: HRAS is on the minus strand). VCF-style: chr11-533503-C-T. GRCh37 (hg19) VCF-style: chr11-533503-C-T.
Other names: c.400G>A, p.Ala134Thr (NM_001130442.3, NM_176795.5); c.81G>A, p.Ser27= (NM_001318054.2); short protein forms A134T.
Identifiers: ClinVar variation 1398877 (VCV001398877.6), dbSNP rs1389157073, ClinGen allele CA378922982.

ClinVar aggregate classification (germline): Uncertain significance (1 of 4 stars; one submission).

Conditions:
Costello syndrome (CSTLO). Also called: FCS SYNDROME; FACIOCUTANEOSKELETAL SYNDROME; HRAS-Related Costello Syndrome. Identifiers: Orphanet 3071, MedGen C0587248, MONDO:0009026, OMIM 218040.

Allele frequency attached by ClinVar (database versions not stated): gnomAD 0.00001; gnomAD exomes 0.00001; TOPMed 0.00001.
gnomAD v4.1: 8 of 1,613,500 alleles (0.0005%); highest among the groups gnomAD compares: South Asian, 0.0022%; no homozygotes.

Submission:

Labcorp Genetics (formerly Invitae), Labcorp
Classification: Uncertain significance for Costello syndrome. Last evaluated: 2025-10-02. Review status: criteria provided, single submitter. Criteria: Invitae Variant Classification Sherloc (09022015). Collection method: clinical testing. Allele origin: germline.
Comment: This sequence change replaces alanine, which is neutral and non-polar, with threonine, which is neutral and polar, at codon 134 of the HRAS protein (p.Ala134Thr). This variant is present in population databases (no rsID available, gnomAD 0.006%). This variant has not been reported in the literature in individuals affected with HRAS-related conditions. ClinVar contains an entry for this variant (Variation ID: 1398877). Invitae Evidence Modeling of protein sequence and biophysical properties (such as structural, functional, and spatial information, amino acid conservation, physicochemical variation, residue mobility, and thermodynamic stability) indicates that this missense variant is expected to disrupt HRAS protein function with a positive predictive value of 95%. In summary, the available evidence is currently insufficient to determine the role of this variant in disease. Therefore, it has been classified as a Variant of Uncertain Significance.